The following is an entry in ClinVar:

ClinVar aggregate classification (germline): Benign. Review status: criteria provided, multiple submitters, no conflicts (2 of 4 stars). 3 submissions from 3 submitters: Benign (3). Last evaluated 2026-02-04.

Allele frequency attached by ClinVar (database versions not stated): 1000 Genomes Project 30x 0.06777; 1000 Genomes Project 0.06909; TOPMed 0.07309; gnomAD 0.07588 and 0.07805; ESP Exome Variant Server 0.07789; gnomAD exomes 0.09035 and 0.09722; ExAC 0.10230.
gnomAD v4.1: 152,807 of 1,602,034 alleles (9.5%); highest among the groups gnomAD compares: South Asian, 15%; 7,850 homozygotes.

Submissions (20):

Labcorp Genetics (formerly Invitae), Labcorp
Classification: Benign. Last evaluated: 2026-02-04. Review status: criteria provided, single submitter. Criteria: Invitae Variant Classification Sherloc (09022015). Collection method: clinical testing. Allele origin: germline.

GeneDx
Classification: Benign. Last evaluated: 2016-01-21. Review status: criteria provided, single submitter. Criteria: GeneDx Variant Classification (06012015). Collection method: clinical testing. Allele origin: germline. Affected: yes.
Comment: This variant is considered likely benign or benign based on one or more of the following criteria: it is a conservative change, it occurs at a poorly conserved position in the protein, it is predicted to be benign by multiple in silico algorithms, and/or has population frequency not consistent with disease.

Breakthrough Genomics
Classification: Benign. Review status: criteria provided, single submitter. Criteria: ACMG Guidelines, 2015. Collection method: not provided. Allele origin: germline. Inheritance: Autosomal recessive inheritance. Affected: yes.

Dr. Peter K. Rogan Lab, Western University
No classification provided (evidence only). Condition: Familial cancer of breast. Review status: no classification provided. Collection method: in vitro. Allele origin: not applicable. Functional consequence: retained intron. Not counted in ClinVar's aggregate classification.

Dr. Peter K. Rogan Lab, Western University
No classification provided (evidence only). Condition: Acute myeloid leukemia. Review status: no classification provided. Collection method: in vitro. Allele origin: not applicable. Functional consequence: retained intron. Not counted in ClinVar's aggregate classification.

Dr. Peter K. Rogan Lab, Western University
No classification provided (evidence only). Condition: Acute myeloid leukemia. Review status: no classification provided. Collection method: in vitro. Allele origin: not applicable. Functional consequence: retained intron. Not counted in ClinVar's aggregate classification.

Dr. Peter K. Rogan Lab, Western University
No classification provided (evidence only). Condition: Acute myeloid leukemia. Review status: no classification provided. Collection method: in vitro. Allele origin: not applicable. Functional consequence: retained intron. Not counted in ClinVar's aggregate classification.

Dr. Peter K. Rogan Lab, Western University
No classification provided (evidence only). Condition: Acute myeloid leukemia. Review status: no classification provided. Collection method: in vitro. Allele origin: not applicable. Functional consequence: retained intron. Not counted in ClinVar's aggregate classification.

Dr. Peter K. Rogan Lab, Western University
No classification provided (evidence only). Condition: Acute myeloid leukemia. Review status: no classification provided. Collection method: in vitro. Allele origin: not applicable. Functional consequence: retained intron. Not counted in ClinVar's aggregate classification.

Dr. Peter K. Rogan Lab, Western University
No classification provided (evidence only). Condition: Acute myeloid leukemia. Review status: no classification provided. Collection method: in vitro. Allele origin: not applicable. Functional consequence: retained intron. Not counted in ClinVar's aggregate classification.

Dr. Peter K. Rogan Lab, Western University
No classification provided (evidence only). Condition: Acute myeloid leukemia. Review status: no classification provided. Collection method: in vitro. Allele origin: not applicable. Functional consequence: retained intron. Not counted in ClinVar's aggregate classification.

Dr. Peter K. Rogan Lab, Western University
No classification provided (evidence only). Condition: Malignant lymphoma, large B-cell, diffuse. Review status: no classification provided. Collection method: in vitro. Allele origin: not applicable. Functional consequence: retained intron. Not counted in ClinVar's aggregate classification.

Dr. Peter K. Rogan Lab, Western University
No classification provided (evidence only). Condition: Malignant lymphoma, large B-cell, diffuse. Review status: no classification provided. Collection method: in vitro. Allele origin: not applicable. Functional consequence: retained intron. Not counted in ClinVar's aggregate classification.

Dr. Peter K. Rogan Lab, Western University
No classification provided (evidence only). Condition: Hepatocellular carcinoma. Review status: no classification provided. Collection method: in vitro. Allele origin: not applicable. Functional consequence: retained intron. Not counted in ClinVar's aggregate classification.

Dr. Peter K. Rogan Lab, Western University
No classification provided (evidence only). Condition: Cholangiocarcinoma. Review status: no classification provided. Collection method: in vitro. Allele origin: not applicable. Functional consequence: retained intron. Not counted in ClinVar's aggregate classification.

Dr. Peter K. Rogan Lab, Western University
No classification provided (evidence only). Condition: Cholangiocarcinoma. Review status: no classification provided. Collection method: in vitro. Allele origin: not applicable. Functional consequence: retained intron. Not counted in ClinVar's aggregate classification.

Dr. Peter K. Rogan Lab, Western University
No classification provided (evidence only). Condition: Cholangiocarcinoma. Review status: no classification provided. Collection method: in vitro. Allele origin: not applicable. Functional consequence: retained intron. Not counted in ClinVar's aggregate classification.

Dr. Peter K. Rogan Lab, Western University
No classification provided (evidence only). Condition: Uterine carcinosarcoma. Review status: no classification provided. Collection method: in vitro. Allele origin: not applicable. Functional consequence: retained intron. Not counted in ClinVar's aggregate classification.

Dr. Peter K. Rogan Lab, Western University
No classification provided (evidence only). Condition: Uterine carcinosarcoma. Review status: no classification provided. Collection method: in vitro. Allele origin: not applicable. Functional consequence: retained intron. Not counted in ClinVar's aggregate classification.

Dr. Peter K. Rogan Lab, Western University
No classification provided (evidence only). Condition: Uveal melanoma. Review status: no classification provided. Collection method: in vitro. Allele origin: not applicable. Functional consequence: retained intron. Not counted in ClinVar's aggregate classification.

NM_018060.4(IARS2):c.2896+12A>G

Gene: IARS2 (isoleucyl-tRNA synthetase 2, mitochondrial; plus strand). Cytogenetic location: 1q41.
Variant type: single nucleotide variant.
Coding change: c.2896+12A>G on transcript NM_018060.4 (MANE Select); 12 bases into the intron after coding-DNA position 2896, A replaced by G.
Molecular consequence: intron variant.
Genome position (GRCh38, 1-based): chr1:220,145,665, A>G. VCF-style: chr1-220145665-A-G. GRCh37 (hg19) VCF-style: chr1-220319007-A-G.
Identifiers: ClinVar variation 380024 (VCV000380024.11), dbSNP rs75519000, ClinGen allele CA1401870.
Genomic context (GRCh38, chr1:220,145,665, plus strand): 5'-ACTGCAGATGTAATCGAGCTTAAAGGGAAATTCCTCATCAACTTAGAAGGTAAGAAGGAG[A>G]TGAAAGTAACAAGTAACATCTGGAGAATTGAATAATTATAGGTCATCTCCAACTTTCCAG-3'